The following is an entry in ClinVar:

ClinVar aggregate classification (germline): Uncertain significance (1 of 4 stars; one submission).

Conditions:
Autosomal recessive limb-girdle muscular dystrophy type R18 (LGMDR18). Also called: MUSCULAR DYSTROPHY, LIMB-GIRDLE, AUTOSOMAL RECESSIVE 18; Limb-girdle muscular dystrophy, type 2S; Autosomal recessive limb-girdle muscular dystrophy type 2S. Identifiers: Orphanet 369840, MedGen C4517996, MONDO:0014144, OMIM 615356.

gnomAD v4.1: 2 of 1,608,108 alleles (0.00012%); highest among the groups gnomAD compares: East Asian, 0.0022%; no homozygotes.

Submission:

Labcorp Genetics (formerly Invitae), Labcorp
Classification: Uncertain significance for Autosomal recessive limb-girdle muscular dystrophy type R18. Last evaluated: 2022-02-02. Review status: criteria provided, single submitter. Criteria: Invitae Variant Classification Sherloc (09022015). Collection method: clinical testing. Allele origin: germline.
Comment: In summary, the available evidence is currently insufficient to determine the role of this variant in disease. Therefore, it has been classified as a Variant of Uncertain Significance. Algorithms developed to predict the effect of missense changes on protein structure and function output the following: SIFT: "Tolerated"; PolyPhen-2: "Benign"; Align-GVGD: "Class C0". The isoleucine amino acid residue is found in multiple mammalian species, which suggests that this missense change does not adversely affect protein function. ClinVar contains an entry for this variant (Variation ID: 1025471). This variant has not been reported in the literature in individuals affected with TRAPPC11-related conditions. This variant is not present in population databases (gnomAD no frequency). This sequence change replaces valine, which is neutral and non-polar, with isoleucine, which is neutral and non-polar, at codon 254 of the TRAPPC11 protein (p.Val254Ile).

NM_021942.6(TRAPPC11):c.760G>A (p.Val254Ile)

Gene: TRAPPC11 (trafficking protein particle complex subunit 11; plus strand). Cytogenetic location: 4q35.1.
Variant type: single nucleotide variant.
Coding change: c.760G>A on transcript NM_021942.6 (MANE Select); coding-DNA position 760, G replaced by A.
Protein change: p.Val254Ile; replaces valine 254 with isoleucine.
Molecular consequence: missense variant.
Genome position (GRCh38, 1-based): chr4:183,677,483, G>A. VCF-style: chr4-183677483-G-A. GRCh37 (hg19) VCF-style: chr4-184598636-G-A.
Other names: c.760G>A, p.Val254Ile (NM_199053.3); short protein forms V254I.
Identifiers: ClinVar variation 1025471 (VCV001025471.7), dbSNP rs759142358, ClinGen allele CA358861835.